The following is an entry in ClinVar:

ClinVar aggregate classification (germline): Uncertain significance (1 of 4 stars; one submission).

Conditions:
Hereditary nonpolyposis colorectal neoplasms. Identifiers: MedGen C0009405, MeSH D003123.

Submission:

Labcorp Genetics (formerly Invitae), Labcorp
Classification: Uncertain significance for Hereditary nonpolyposis colorectal neoplasms. Last evaluated: 2022-03-07. Review status: criteria provided, single submitter. Criteria: Invitae Variant Classification Sherloc (09022015). Collection method: clinical testing. Allele origin: germline.
Comment: In summary, the available evidence is currently insufficient to determine the role of this variant in disease. Therefore, it has been classified as a Variant of Uncertain Significance. Algorithms developed to predict the effect of sequence changes on RNA splicing suggest that this variant may disrupt the consensus splice site. This variant has not been reported in the literature in individuals affected with MSH6-related conditions. This variant is not present in population databases (gnomAD no frequency). This sequence change creates a premature translational stop signal (p.Thr1344Phefs*2) in the MSH6 gene. While this is not anticipated to result in nonsense mediated decay, it is expected to disrupt the last 17 amino acids of the MSH6 protein.

NM_000179.3(MSH6):c.4002-7_4029dup

Gene: MSH6 (mutS homolog 6; plus strand). Cytogenetic location: 2p16.3.
Variant type: Duplication.
Coding change: c.4002-7_4029dup on transcript NM_000179.3 (MANE Select); 7 bases into the intron before coding-DNA position 4002 through coding-DNA position 4029, 35 bases duplicated.
Molecular consequence: splice acceptor variant.
Genome position (GRCh38, 1-based): chr2:47,806,772-47,806,806, 35 bases duplicated; duplicating any 35 consecutive bases within chr2:47,806,771-47,806,806 gives the same sequence; the c. name uses the placement nearest the transcript's 3' end. GRCh37 (hg19): chr2:48,033,911-48,033,945.
Other names: c.3096-7_3123dup (NM_001281493.2, NM_001281494.2); c.3612-7_3639dup (NM_001281492.2).
Identifiers: ClinVar variation 2048900 (VCV002048900.4), dbSNP rs2530889860, ClinGen allele CA2580067583.
Genomic context (GRCh38, chr2:47,806,770, plus strand): 5'-TAAAAGGGGAAGGGATGATGCACTATGAAAAAACAAAAAAACTTTTTTTTTTTTTTTTTT[A>AATTTTAAGGGAAGTTTGCCTGGCTAGTGAAAGGTC]ATTTTAAGGGAAGTTTGCCTGGCTAGTGAAAGGTCAACTGTAGATGCTGAAGCTGTCCAT-3'